The following is an entry in ClinVar:

NM_000271.5(NPC1):c.3525C>A (p.Phe1175Leu)

Gene: NPC1 (NPC intracellular cholesterol transporter 1; minus strand). Cytogenetic location: 18q11.2.
Variant type: single nucleotide variant.
Coding change: c.3525C>A on transcript NM_000271.5 (MANE Select); coding-DNA position 3525, C replaced by A.
Protein change: p.Phe1175Leu; replaces phenylalanine 1175 with leucine.
Molecular consequence: missense variant.
Genome position (GRCh38, 1-based): chr18:23,534,512, G>T on the plus strand (C>A on the coding strand, the complement: NPC1 is on the minus strand). VCF-style: chr18-23534512-G-T. GRCh37 (hg19) VCF-style: chr18-21114476-G-T.
Other names: short protein forms F1175L.
Identifiers: ClinVar variation 863838 (VCV000863838.1), dbSNP rs2058596241, ClinGen allele CA401790996.
Genomic context (GRCh38, chr18:23,534,512, plus strand): 5'-GCCCATGTGGGCAAGTGCCTCTTCCGCGCGCTCCACGCGGCTGCCTTTCATGCTCACCGT[G>T]AACGCTCTGGTTATGTGGCTGCAGAACTCCACGGAGATGCCACAGCTCTGAAATAAAGCA-3'
Protein context (NP_000262.2, residues 1165-1185): VEFCSHITRA[Phe1175Leu]TVSMKGSRVE

ClinVar aggregate classification (germline): Uncertain significance (1 of 4 stars; one submission).

Conditions:
Niemann-Pick disease, type C1. Also called: NEUROVISCERAL STORAGE DISEASE WITH VERTICAL SUPRANUCLEAR OPHTHALMOPLEGIA; NIEMANN-PICK DISEASE WITH CHOLESTEROL ESTERIFICATION BLOCK; NIEMANN-PICK DISEASE WITHOUT SPHINGOMYELINASE DEFICIENCY; NIEMANN-PICK DISEASE, CHRONIC NEURONOPATHIC FORM; NIEMANN-PICK DISEASE, VARIANT TYPE C1. Identifiers: Orphanet 646, MedGen C3179455, MONDO:0009757, OMIM 257220.

Submission:

Labcorp Genetics (formerly Invitae), Labcorp
Classification: Uncertain significance for Niemann-Pick disease type C1. Last evaluated: 2019-12-11. Review status: criteria provided, single submitter. Criteria: Invitae Variant Classification Sherloc (09022015). Collection method: clinical testing. Allele origin: germline.
Comment: This sequence change replaces phenylalanine with leucine at codon 1175 of the NPC1 protein (p.Phe1175Leu). The phenylalanine residue is highly conserved and there is a small physicochemical difference between phenylalanine and leucine. This variant is not present in population databases (ExAC no frequency). This variant has not been reported in the literature in individuals with NPC1-related conditions. Algorithms developed to predict the effect of missense changes on protein structure and function are either unavailable or do not agree on the potential impact of this missense change (SIFT: "Deleterious"; PolyPhen-2: "Probably Damaging"; Align-GVGD: "Class C0"). In summary, the available evidence is currently insufficient to determine the role of this variant in disease. Therefore, it has been classified as a Variant of Uncertain Significance.